The following is an entry in ClinVar:

ClinVar aggregate classification (germline): Conflicting classifications of pathogenicity. Review status: criteria provided, conflicting classifications (1 of 4 stars). 4 submissions from 4 submitters: Uncertain significance (2); Likely benign (1). 1 of the submissions does not count toward it. Last evaluated 2025-07-07.

Conditions:
DDX41-related hematologic malignancy predisposition syndrome. Also called: DDX41-Associated Familial Myelodysplastic Syndrome and Acute Myeloid Leukemia; Myeloproliferative/lymphoproliferative neoplasms, familial (multiple types), susceptibility to. Identifiers: Orphanet 488647, MedGen C4225174, MONDO:0014809, OMIM 616871.
Inborn genetic diseases. Identifiers: MedGen C0950123, MeSH D030342.
DDX41-related disorder. Also called: DDX41-related condition.

Allele frequency attached by ClinVar (database versions not stated): TOPMed 0.00002; gnomAD 0.00003; gnomAD exomes 0.00003; ESP Exome Variant Server 0.00008.

Submissions (4):

Labcorp Genetics (formerly Invitae), Labcorp
Classification: Uncertain significance. Last evaluated: 2025-07-07. Review status: criteria provided, single submitter. Criteria: Invitae Variant Classification Sherloc (09022015). Collection method: clinical testing. Allele origin: germline.
Comment: This sequence change falls in intron 15 of the DDX41 gene. It does not directly change the encoded amino acid sequence of the DDX41 protein. It affects a nucleotide within the consensus splice site. This variant is present in population databases (rs368999712, gnomAD 0.003%). This variant has been observed in individual(s) with clinical features of DDX41-related conditions (PMID: 35443031). ClinVar contains an entry for this variant (Variation ID: 1901278). Variants that disrupt the consensus splice site are a relatively common cause of aberrant splicing (PMID: 17576681, 9536098). Algorithms developed to predict the effect of sequence changes on RNA splicing suggest that this variant is not likely to affect RNA splicing. In summary, the available evidence is currently insufficient to determine the role of this variant in disease. Therefore, it has been classified as a Variant of Uncertain Significance.

Ambry Genetics
Classification: Likely benign for Inborn genetic diseases. Last evaluated: 2024-12-27. Review status: criteria provided, single submitter. Criteria: Ambry Variant Classification Scheme 2023. Collection method: clinical testing. Allele origin: germline.

St. Jude Molecular Pathology, St. Jude Children's Research Hospital
Classification: Uncertain significance for DDX41-related hematologic malignancy predisposition syndrome. Last evaluated: 2024-01-13. Review status: criteria provided, single submitter. Criteria: St. Jude Assertion Criteria 2020. Collection method: clinical testing. Allele origin: germline.
Comment: The DDX41 c.1621+3G>A intronic change results from a G to A substitution at the +3 position of intron 15 of the DDX41 gene. Algorithms that predict the impact of sequence changes on splicing indicate that this variant likely does not affect splicing, but these predictions have not been confirmed by RNA studies. This variant has a maximum subpopulation frequency of 0.003% in gnomAD v2.1.1. This variant has not been reported in individuals with DDX41-associated familial myeloproliferative/lymphoproliferative neoplasms. In summary, the evidence currently available is insufficient to determine the clinical significance of this variant. It has therefore been classified as of uncertain significance.

PreventionGenetics, part of Exact Sciences
Classification: Likely benign for DDX41-related condition. Last evaluated: 2022-02-03. Review status: no assertion criteria provided. Collection method: clinical testing. Allele origin: germline. Not counted in ClinVar's aggregate classification.
Comment: This variant is classified as likely benign based on ACMG/AMP sequence variant interpretation guidelines (Richards et al. 2015 PMID: 25741868, with internal and published modifications).

Literature cited by the submitters: PubMed 35443031 (cited by Labcorp Genetics (formerly Invitae), Labcorp); PubMed 17576681 (cited by Labcorp Genetics (formerly Invitae), Labcorp); PubMed 9536098 (cited by Labcorp Genetics (formerly Invitae), Labcorp).

NM_016222.4(DDX41):c.1621+3G>A

Gene: DDX41 (DEAD-box helicase 41; minus strand). Cytogenetic location: 5q35.3.
Variant type: single nucleotide variant.
Coding change: c.1621+3G>A on transcript NM_016222.4 (MANE Select); 3 bases into the intron after coding-DNA position 1621, G replaced by A.
Molecular consequence: intron variant.
Genome position (GRCh38, 1-based): chr5:177,512,319, C>T on the plus strand (G>A on the coding strand, the complement: DDX41 is on the minus strand). VCF-style: chr5-177512319-C-T. GRCh37 (hg19) VCF-style: chr5-176939320-C-T.
Other names: c.1243+3G>A (NM_001321830.2, NM_001321732.2); c.1621+3G>A (NM_016222.3, NM_016222.2).
Identifiers: ClinVar variation 1901278 (VCV001901278.9), dbSNP rs368999712, ClinGen allele CA132889516.